The following is an entry in ClinVar:

ClinVar aggregate classification (germline): Uncertain significance. Review status: criteria provided, multiple submitters, no conflicts (2 of 4 stars). 2 submissions from 2 submitters: Uncertain significance (2). Last evaluated 2025-12-17.

Conditions:
INF2-related disorder. Also called: INF2-related condition.
Charcot-Marie-Tooth disease dominant intermediate E. Also called: CHARCOT-MARIE-TOOTH NEUROPATHY WITH FOCAL SEGMENTAL GLOMERULONEPHRITIS. Identifiers: Orphanet 93114, MedGen C4302667, MONDO:0013758, OMIM 614455.
Focal segmental glomerulosclerosis 5 (FSGS5). Identifiers: Orphanet 656, MedGen C2750475, MONDO:0013191, OMIM 613237.

Allele frequency attached by ClinVar (database versions not stated): gnomAD exomes below 0.00001; gnomAD 0.00001.
gnomAD v4.1: 5 of 1,602,760 alleles (0.00031%); highest among the groups gnomAD compares: African/African-American, 0.0053%; no homozygotes.

Submissions (2):

PreventionGenetics, part of Exact Sciences
Classification: Uncertain significance for INF2-related condition. Last evaluated: 2025-12-17. Review status: criteria provided, single submitter. Criteria: ACMG Guidelines, 2015. Collection method: clinical testing. Allele origin: germline.
Comment: The INF2 c.1646C>T variant is predicted to result in the amino acid substitution p.Ala549Val. To our knowledge, this variant has not been reported in the literature or in a large population database (gnomAD), indicating this variant is rare. At this time, the clinical significance of this variant is uncertain due to the absence of conclusive functional and genetic evidence.

Labcorp Genetics (formerly Invitae), Labcorp
Classification: Uncertain significance for Charcot-Marie-Tooth disease dominant intermediate E; Focal segmental glomerulosclerosis 5. Last evaluated: 2021-02-03. Review status: criteria provided, single submitter. Criteria: Invitae Variant Classification Sherloc (09022015). Collection method: clinical testing. Allele origin: germline.
Comment: This variant has not been reported in the literature in individuals with INF2-related conditions. This sequence change replaces alanine with valine at codon 549 of the INF2 protein (p.Ala549Val). The alanine residue is moderately conserved and there is a small physicochemical difference between alanine and valine. This variant is not present in population databases (ExAC no frequency). Algorithms developed to predict the effect of missense changes on protein structure and function output the following: SIFT: "Tolerated"; PolyPhen-2: "Not Available"; Align-GVGD: "Class C0". The valine amino acid residue is found in multiple mammalian species, suggesting that this missense change does not adversely affect protein function. These predictions have not been confirmed by published functional studies and their clinical significance is uncertain. Algorithms developed to predict the effect of sequence changes on RNA splicing suggest that this variant may create or strengthen a splice site, but this prediction has not been confirmed by published transcriptional studies. In summary, the available evidence is currently insufficient to determine the role of this variant in disease. Therefore, it has been classified as a Variant of Uncertain Significance.

NM_022489.4(INF2):c.1646C>T (p.Ala549Val)

Gene: INF2 (inverted formin 2; plus strand). Cytogenetic location: 14q32.33.
Variant type: single nucleotide variant.
Coding change: c.1646C>T on transcript NM_022489.4 (MANE Select); coding-DNA position 1646, C replaced by T.
Protein change: p.Ala549Val; replaces alanine 549 with valine.
Molecular consequence: missense variant.
Genome position (GRCh38, 1-based): chr14:104,707,913, C>T. VCF-style: chr14-104707913-C-T. GRCh37 (hg19) VCF-style: chr14-105174250-C-T.
Other names: c.1646C>T, p.Ala549Val (NM_001031714.4); c.1646C>T (NM_022489.3); short protein forms A549V.
Identifiers: ClinVar variation 1017014 (VCV001017014.9), dbSNP rs1191795011, ClinGen allele CA391217869.